The following is an entry in ClinVar:

NM_001267550.2(TTN):c.76527C>T (p.Asp25509=)

Genes: TTN (titin; minus strand), TTN-AS1 (TTN antisense RNA 1; plus strand). Cytogenetic location: 2q31.2.
Variant type: single nucleotide variant.
Coding change: c.76527C>T on transcript NM_001267550.2 (MANE Select); coding-DNA position 76527, C replaced by T.
Protein change: p.Asp25509=; no amino-acid change (aspartic acid 25509 retained).
Molecular consequence: synonymous variant.
Genome position (GRCh38, 1-based): chr2:178,569,605, G>A on the plus strand (C>T on the coding strand, the complement: TTN is on the minus strand). VCF-style: chr2-178569605-G-A. GRCh37 (hg19) VCF-style: chr2-179434332-G-A.
Other names: c.71604C>T, p.Asp23868= (NM_001256850.1); c.49332C>T, p.Asp16444= (NM_003319.4); c.68823C>T, p.Asp22941= (NM_133378.4); c.49707C>T, p.Asp16569= (NM_133432.3); c.49908C>T, p.Asp16636= (NM_133437.4).
Identifiers: ClinVar variation 512443 (VCV000512443.46), dbSNP rs780539951, ClinGen allele CA1989899.

ClinVar aggregate classification (germline): Likely benign. Review status: criteria provided, multiple submitters, no conflicts (2 of 4 stars). 5 submissions from 5 submitters: Likely benign (5). Last evaluated 2025-09-10.

Conditions:
Dilated cardiomyopathy 1G (CMD1G). Identifiers: Orphanet 154, MedGen C1858763, MONDO:0011400, OMIM 604145.
Autosomal recessive limb-girdle muscular dystrophy type 2J (LGMDR10). Also called: MUSCULAR DYSTROPHY, LIMB-GIRDLE, AUTOSOMAL RECESSIVE 10; Limb-girdle muscular dystrophy, type 2J. Identifiers: Orphanet 140922, MedGen C1837342, MONDO:0012127, OMIM 608807.
Cardiovascular phenotype. Identifiers: MedGen CN230736.

Allele frequency attached by ClinVar (database versions not stated): TOPMed 0.00001; gnomAD exomes 0.00002 and 0.00007; gnomAD 0.00003 and 0.00004; ExAC 0.00005.
gnomAD v4.1: 40 of 1,612,200 alleles (0.0025%); highest among the groups gnomAD compares: Admixed American, 0.017%; no homozygotes.

Submissions (5):

Labcorp Genetics (formerly Invitae), Labcorp
Classification: Likely benign for Dilated cardiomyopathy 1G; Autosomal recessive limb-girdle muscular dystrophy type 2J. Last evaluated: 2025-09-10. Review status: criteria provided, single submitter. Criteria: Invitae Variant Classification Sherloc (09022015). Collection method: clinical testing. Allele origin: germline.

Revvity Omics, Revvity
Classification: Likely benign. Last evaluated: 2024-07-16. Review status: criteria provided, single submitter. Criteria: ACMG Guidelines, 2015. Collection method: clinical testing. Allele origin: germline.

CeGaT Center for Human Genetics Tuebingen
Classification: Likely benign. Last evaluated: 2024-02-01. Review status: criteria provided, single submitter. Criteria: CeGaT Center For Human Genetics Tuebingen Variant Classification Criteria Version 2. Collection method: clinical testing. Allele origin: germline. Affected: yes. Observed: 3 variant alleles.
Comment: TTN: BP4, BP7

GeneDx
Classification: Likely benign. Last evaluated: 2020-05-18. Review status: criteria provided, single submitter. Criteria: GeneDx Variant Classification Process June 2021. Collection method: clinical testing. Allele origin: germline. Affected: yes.

Ambry Genetics
Classification: Likely benign for Cardiovascular phenotype. Last evaluated: 2016-05-17. Review status: criteria provided, single submitter. Criteria: Ambry Variant Classification Scheme 2023. Collection method: clinical testing. Allele origin: germline.